The following is an entry in ClinVar:

ClinVar aggregate classification (germline): Uncertain significance (1 of 4 stars; one submission).

Conditions:
Rubinstein-Taybi syndrome due to EP300 haploinsufficiency. Also called: EP300-Related Rubinstein-Taybi Syndrome; RUBINSTEIN-TAYBI SYNDROME 2. Identifiers: Orphanet 353284, Orphanet 783, MedGen C3150941, MONDO:0013364, OMIM 613684.

Submission:

Labcorp Genetics (formerly Invitae), Labcorp
Classification: Uncertain significance for Rubinstein-Taybi syndrome due to EP300 haploinsufficiency. Last evaluated: 2024-07-29. Review status: criteria provided, single submitter. Criteria: Invitae Variant Classification Sherloc (09022015). Collection method: clinical testing. Allele origin: germline.
Comment: This sequence change replaces threonine, which is neutral and polar, with serine, which is neutral and polar, at codon 576 of the EP300 protein (p.Thr576Ser). This variant is not present in population databases (gnomAD no frequency). This variant has not been reported in the literature in individuals affected with EP300-related conditions. Advanced modeling of protein sequence and biophysical properties (such as structural, functional, and spatial information, amino acid conservation, physicochemical variation, residue mobility, and thermodynamic stability) performed at Invitae indicates that this missense variant is not expected to disrupt EP300 protein function with a negative predictive value of 80%. In summary, the available evidence is currently insufficient to determine the role of this variant in disease. Therefore, it has been classified as a Variant of Uncertain Significance.

NM_001429.4(EP300):c.1726A>T (p.Thr576Ser)

Gene: EP300 (EP300 lysine acetyltransferase; plus strand). Cytogenetic location: 22q13.2.
Variant type: single nucleotide variant.
Coding change: c.1726A>T on transcript NM_001429.4 (MANE Select); coding-DNA position 1726, A replaced by T.
Protein change: p.Thr576Ser; replaces threonine 576 with serine.
Molecular consequence: missense variant.
Genome position (GRCh38, 1-based): chr22:41,137,756, A>T. VCF-style: chr22-41137756-A-T. GRCh37 (hg19) VCF-style: chr22-41533760-A-T.
Other names: c.1726A>T, p.Thr576Ser (NM_001362843.2); short protein forms T576S.
Identifiers: ClinVar variation 3647138 (VCV003647138.2).